The following is an entry in ClinVar:

ClinVar aggregate classification (germline): Uncertain significance. Review status: criteria provided, multiple submitters, no conflicts (2 of 4 stars). 2 submissions from 2 submitters: Uncertain significance (2). Last evaluated 2025-03-28.

Conditions:
Congenital myasthenic syndrome 8. Also called: MYASTHENIC SYNDROME, CONGENITAL, DUE TO AGRIN DEFICIENCY; Myasthenic syndrome, congenital, 8, with pre- and postsynaptic defects. Identifiers: Orphanet 590, MedGen C3808739, MONDO:0014052, OMIM 615120.

Allele frequency attached by ClinVar (database versions not stated): gnomAD exomes below 0.00001.
gnomAD v4.1: 1 of 1,601,544 alleles (0.000062%); highest among the groups gnomAD compares: Non-Finnish European, 0.000085%; no homozygotes.

Submissions (2):

Revvity Omics, Revvity
Classification: Uncertain significance for Congenital myasthenic syndrome 8. Last evaluated: 2025-03-28. Review status: criteria provided, single submitter. Criteria: ACMG Guidelines, 2015. Collection method: clinical testing. Allele origin: germline.

Labcorp Genetics (formerly Invitae), Labcorp
Classification: Uncertain significance for Congenital myasthenic syndrome 8. Last evaluated: 2022-05-12. Review status: criteria provided, single submitter. Criteria: Invitae Variant Classification Sherloc (09022015). Collection method: clinical testing. Allele origin: germline.
Comment: In summary, the available evidence is currently insufficient to determine the role of this variant in disease. Therefore, it has been classified as a Variant of Uncertain Significance. Algorithms developed to predict the effect of sequence changes on RNA splicing suggest that this variant may create or strengthen a splice site. Algorithms developed to predict the effect of missense changes on protein structure and function are either unavailable or do not agree on the potential impact of this missense change (SIFT: "Deleterious"; PolyPhen-2: "Possibly Damaging"; Align-GVGD: "Class C0"). This variant has not been reported in the literature in individuals affected with AGRN-related conditions. This variant is not present in population databases (gnomAD no frequency). This sequence change replaces aspartic acid, which is acidic and polar, with glutamic acid, which is acidic and polar, at codon 462 of the AGRN protein (p.Asp462Glu).

NM_198576.4(AGRN):c.1386C>G (p.Asp462Glu)

Gene: AGRN (agrin; plus strand). Cytogenetic location: 1p36.33.
Variant type: single nucleotide variant.
Coding change: c.1386C>G on transcript NM_198576.4 (MANE Select); coding-DNA position 1386, C replaced by G.
Protein change: p.Asp462Glu; replaces aspartic acid 462 with glutamic acid.
Molecular consequence: missense variant.
Genome position (GRCh38, 1-based): chr1:1,043,240, C>G. VCF-style: chr1-1043240-C-G. GRCh37 (hg19) VCF-style: chr1-978620-C-G.
Other names: c.1386C>G, p.Asp462Glu (NM_001305275.2); c.1071C>G, p.Asp357Glu (NM_001364727.2); short protein forms D462E, D357E.
Identifiers: ClinVar variation 1993396 (VCV001993396.5), dbSNP rs2522684349, ClinGen allele CA337830192.
Genomic context (GRCh38, chr1:1,043,240, plus strand): 5'-GCTTTGCCTGCAGCGGAGGGGGGGCTTGTGGGACCACTGAGCCCCTGTGTCCTTCCCAGA[C>G]CAGGCCCCGTCCCCATGCCTCGGGGTGCAGTGTGCATTTGGGGCGACGTGTGCTGTGAAG-3'
Protein context (NP_940978.2, residues 452-472): AIPSKHQGPC[Asp462Glu]QAPSPCLGVQ